The following is an entry in ClinVar:

ClinVar aggregate classification (germline): Likely pathogenic (1 of 4 stars; one submission).

Conditions:
Fetal anomalies with a likely genetic cause.

gnomAD v4.1: 20 of 1,442,522 alleles (0.0014%); highest among the groups gnomAD compares: Non-Finnish European, 0.0018%; no homozygotes.

Submission:

Genetics Laboratory, Great Ormond Street Hospital NHS Foundation Trust, North Thames Genomic Laboratory Hub
Classification: Likely pathogenic for Fetal anomalies with a likely genetic cause. Last evaluated: 2026-07-22. Review status: criteria provided, single submitter. Criteria: ACGS Best Practice Guidelines for Variant Classification in Rare Disease 2024 v1.2. Collection method: clinical testing. Allele origin: germline. Affected: yes.
Comment: PM2_moderate, PVS1_strong

NM_001166345.3(MDFIC):c.58G>T (p.Glu20Ter)

Genes: MDFIC (MyoD family inhibitor domain containing; plus strand), LOC129999152 (ATAC-STARR-seq lymphoblastoid silent region 18551; plus strand). Cytogenetic location: 7q31.1.
Variant type: single nucleotide variant.
Coding change: c.58G>T on transcript NM_001166345.3 (MANE Select); coding-DNA position 58, G replaced by T.
Protein change: p.Glu20Ter; replaces glutamic acid 20 with a stop codon.
Molecular consequence: nonsense.
Genome position (GRCh38, 1-based): chr7:114,923,091, G>T. VCF-style: chr7-114923091-G-T. GRCh37 (hg19) VCF-style: chr7-114563146-G-T.
Other names: c.385G>T, p.Glu129Ter (NM_001166346.1, NM_199072.5); short protein forms E129*, E20*.
Identifiers: ClinVar variation 4974944 (VCV004974944.1).